The following is an entry in ClinVar:

ClinVar aggregate classification (germline): Uncertain significance (1 of 4 stars; one submission).

Submission:

Dasa
Classification: Uncertain significance. Last evaluated: 2025-02-12. Review status: criteria provided, single submitter. Criteria: DASA Assertion Criteria. Collection method: clinical testing. Allele origin: germline.
Comment: NM_001190737.2(NFIB):c.1018C>A (p.Pro340Thr) is a missense variant that results in the substitution of proline with threonine. This variant is absent from population databases. Computational prediction algorithms are consistent with a benign effect. The currently available literature and clinical evidence are not sufficient to establish a definitive association between this variant and the reported condition. Therefore, this variant is classified as a variant of uncertain significance.

NM_001190737.2(NFIB):c.1018C>A (p.Pro340Thr)

Gene: NFIB (nuclear factor I B; minus strand). Cytogenetic location: 9p23.
Variant type: single nucleotide variant.
Coding change: c.1018C>A on transcript NM_001190737.2 (MANE Select); coding-DNA position 1018, C replaced by A.
Protein change: p.Pro340Thr; replaces proline 340 with threonine.
Molecular consequence: missense variant. On other transcripts: non-coding transcript variant (4).
Genome position (GRCh38, 1-based): chr9:14,125,674, G>T on the plus strand (C>A on the coding strand, the complement: NFIB is on the minus strand). VCF-style: chr9-14125674-G-T. GRCh37 (hg19) VCF-style: chr9-14125673-G-T.
Other names: c.1018C>A, p.Pro340Thr (NM_001369464.1, NM_001369471.1, NM_001429577.1 and 2 more transcripts); c.991C>A, p.Pro331Thr (NM_001369465.1, NM_001369467.1, NM_001369476.1); c.1006C>A, p.Pro336Thr (NM_001369466.1, NM_001369472.1, NM_001369473.1 and 2 more transcripts); c.1084C>A, p.Pro362Thr (NM_001369468.1, NM_001369458.1, NM_001369459.1 and 1 more transcripts); c.874C>A, p.Pro292Thr (NM_001369469.1); c.781C>A, p.Pro261Thr (NM_001369470.1, NM_001369478.1); c.1003C>A, p.Pro335Thr (NM_001369474.1); c.793C>A, p.Pro265Thr (NM_001369475.1); and 4 more; short protein forms P161T, P261T, P265T, P292T, P322T, P331T, P335T, P336T.
Identifiers: ClinVar variation 4881547 (VCV004881547.2).
Genomic context (GRCh38, chr9:14,125,674, plus strand): 5'-ATGCTTGAAACTCCTCACCACTGTGTGCAACTCCAGGTATTCCGGGATGGTGGTGCTGGG[G>T]GAAAGTGCTCAGTCTTGGGGAAGAATCCTGTGGAGATGCAGAGCTGAACAATGGCTTTTC-3'
Protein context (NP_001177666.1, residues 330-350): QDSSPRLSTF[Pro340Thr]QHHHPGIPGV